The following is an entry in ClinVar:

ClinVar aggregate classification (germline): Benign. Review status: criteria provided, multiple submitters, no conflicts (2 of 4 stars). 2 submissions from 2 submitters: Benign (2). Last evaluated 2018-06-16.

Allele frequency attached by ClinVar (database versions not stated): gnomAD exomes 0.00535; gnomAD 0.04791 and 0.05142; 1000 Genomes Project 0.05451; TOPMed 0.05602; 1000 Genomes Project 30x 0.05856.
gnomAD v4.1: 14,744 of 1,472,080 alleles (1%); highest among the groups gnomAD compares: African/African-American, 17%; 1,033 homozygotes.

Submissions (2):

GeneDx
Classification: Benign. Last evaluated: 2018-06-16. Review status: criteria provided, single submitter. Criteria: GeneDx Variant Classification (06012015). Collection method: clinical testing. Allele origin: germline. Affected: yes.
Comment: This variant is considered likely benign or benign based on one or more of the following criteria: it is a conservative change, it occurs at a poorly conserved position in the protein, it is predicted to be benign by multiple in silico algorithms, and/or has population frequency not consistent with disease.

Breakthrough Genomics
Classification: Benign. Review status: criteria provided, single submitter. Criteria: ACMG Guidelines, 2015. Collection method: not provided. Allele origin: germline. Inheritance: Autosomal recessive inheritance. Affected: yes.

NM_003477.3(PDHX):c.1024-53C>T

Gene: PDHX (pyruvate dehydrogenase complex component X; plus strand). Cytogenetic location: 11p13.
Variant type: single nucleotide variant.
Coding change: c.1024-53C>T on transcript NM_003477.3 (MANE Select); 53 bases into the intron before coding-DNA position 1024, C replaced by T.
Molecular consequence: intron variant.
Genome position (GRCh38, 1-based): chr11:34,984,517, C>T. VCF-style: chr11-34984517-C-T. GRCh37 (hg19) VCF-style: chr11-35006064-C-T.
Other names: c.844-53C>T (NM_001135024.2); c.343-53C>T (NM_001166158.2).
Identifiers: ClinVar variation 673674 (VCV000673674.2), dbSNP rs79976609, ClinGen allele CA220472286.